The following is an entry in ClinVar:

ClinVar aggregate classification (germline): Uncertain significance. Review status: criteria provided, multiple submitters, no conflicts (2 of 4 stars). 2 submissions from 2 submitters: Uncertain significance (2). Last evaluated 2025-07-27.

Conditions:
Inborn genetic diseases. Identifiers: MedGen C0950123, MeSH D030342.

Allele frequency attached by ClinVar (database versions not stated): gnomAD exomes 0.00001.
gnomAD v4.1: 7 of 1,179,759 alleles (0.00059%); highest among the groups gnomAD compares: Non-Finnish European, 0.00081%; no homozygotes.

Submissions (2):

Labcorp Genetics (formerly Invitae), Labcorp
Classification: Uncertain significance. Last evaluated: 2025-07-27. Review status: criteria provided, single submitter. Criteria: Invitae Variant Classification Sherloc (09022015). Collection method: clinical testing. Allele origin: germline.
Comment: This sequence change falls in intron 19 of the BRWD3 gene. It does not directly change the encoded amino acid sequence of the BRWD3 protein. It affects a nucleotide within the consensus splice site. This variant is not present in population databases (gnomAD no frequency). This variant has not been reported in the literature in individuals affected with BRWD3-related conditions. ClinVar contains an entry for this variant (Variation ID: 1788129). Variants that disrupt the consensus splice site are a relatively common cause of aberrant splicing (PMID: 17576681, 9536098). Algorithms developed to predict the effect of sequence changes on RNA splicing suggest that this variant is not likely to affect RNA splicing. In summary, the available evidence is currently insufficient to determine the role of this variant in disease. Therefore, it has been classified as a Variant of Uncertain Significance.

Ambry Genetics
Classification: Uncertain significance for Inborn genetic diseases. Last evaluated: 2019-02-01. Review status: criteria provided, single submitter. Criteria: Ambry Variant Classification Scheme 2023. Collection method: clinical testing. Allele origin: germline.
Comment: The c.2232-3T>C intronic variant results from a T to C substitution 3 nucleotides upstream from coding exon 20 in the BRWD3 gene. This nucleotide position is well conserved in available vertebrate species. Using the BDGP and ESEfinder splice site prediction tools, this alteration is not predicted to have any significant effect on this splice acceptor site; however, direct evidence is unavailable. Since supporting evidence is limited at this time, the clinical significance of this alteration remains unclear.

Literature cited by the submitters: PubMed 17576681 (cited by Labcorp Genetics (formerly Invitae), Labcorp); PubMed 9536098 (cited by Labcorp Genetics (formerly Invitae), Labcorp).

NM_153252.5(BRWD3):c.2232-3T>C

Gene: BRWD3 (bromodomain and WD repeat domain containing 3; minus strand). Cytogenetic location: Xq21.1.
Variant type: single nucleotide variant.
Coding change: c.2232-3T>C on transcript NM_153252.5 (MANE Select); 3 bases into the intron before coding-DNA position 2232, T replaced by C.
Molecular consequence: intron variant.
Genome position (GRCh38, 1-based): chrX:80,716,253, A>G on the plus strand (T>C on the coding strand, the complement: BRWD3 is on the minus strand). VCF-style: chrX-80716253-A-G. GRCh37 (hg19) VCF-style: chrX-79971752-A-G.
Identifiers: ClinVar variation 1788129 (VCV001788129.5), dbSNP rs2073072822, ClinGen allele CA2440251745.